The following is an entry in ClinVar:

NM_000059.4(BRCA2):c.922T>C (p.Phe308Leu)

Gene: BRCA2 (BRCA2 DNA repair associated; plus strand). Cytogenetic location: 13q13.1.
Variant type: single nucleotide variant.
Coding change: c.922T>C on transcript NM_000059.4 (MANE Select); coding-DNA position 922, T replaced by C.
Protein change: p.Phe308Leu; replaces phenylalanine 308 with leucine.
Molecular consequence: missense variant.
Genome position (GRCh38, 1-based): chr13:32,332,400, T>C. VCF-style: chr13-32332400-T-C. GRCh37 (hg19) VCF-style: chr13-32906537-T-C.
Other names: short protein forms F308L.
Identifiers: ClinVar variation 993054 (VCV000993054.13), dbSNP rs921111470, ClinGen allele CA247496242.
Genomic context (GRCh38, chr13:32,332,400, plus strand): 5'-CCAAATGTCCTAGAAGATGAAGTATATGAAACAGTTGTAGATACCTCTGAAGAAGATAGT[T>C]TTTCATTATGTTTTTCTAAATGTAGAACAAAAAATCTACAAAAAGTAAGAACTAGCAAGA-3'
Protein context (NP_000050.3, residues 298-318): TVVDTSEEDS[Phe308Leu]SLCFSKCRTK

ClinVar aggregate classification (germline): Conflicting classifications of pathogenicity. Review status: criteria provided, conflicting classifications (1 of 4 stars). 5 submissions from 5 submitters: Uncertain significance (4); Likely benign (1). Last evaluated 2026-01-07.

Conditions:
Hereditary cancer-predisposing syndrome. Also called: Neoplastic Syndromes, Hereditary; Hereditary Cancer Syndrome; Tumor predisposition; Hereditary neoplastic syndrome. Identifiers: Orphanet 140162, MedGen C0027672, MeSH D009386, MONDO:0015356.
Hereditary breast ovarian cancer syndrome. Also called: Hereditary breast and ovarian cancer; Hereditary breast and ovarian cancer syndrome; Breast and ovarian cancer; BRCA1- and BRCA2-Associated Hereditary Breast and Ovarian Cancer; Hereditary breast and/or ovarian cancer syndrome; Hereditary breast and ovarian cancer syndrome (HBOC). Identifiers: Orphanet 145, MedGen C0677776, MeSH D061325, MONDO:0003582. Disease mechanism: loss of function.

Allele frequency attached by ClinVar (database versions not stated): TOPMed below 0.00001.

Submissions (5):

Labcorp Genetics (formerly Invitae), Labcorp
Classification: Uncertain significance for Hereditary breast ovarian cancer syndrome. Last evaluated: 2026-01-07. Review status: criteria provided, single submitter. Criteria: Invitae Variant Classification Sherloc (09022015). Collection method: clinical testing. Allele origin: germline.
Comment: This sequence change replaces phenylalanine, which is neutral and non-polar, with leucine, which is neutral and non-polar, at codon 308 of the BRCA2 protein (p.Phe308Leu). This variant is not present in population databases (gnomAD no frequency). This missense change has been observed in individual(s) with breast cancer (PMID: 34196900). ClinVar contains an entry for this variant (Variation ID: 993054). Invitae Evidence Modeling of protein sequence and biophysical properties (such as structural, functional, and spatial information, amino acid conservation, physicochemical variation, residue mobility, and thermodynamic stability) indicates that this missense variant is not expected to disrupt BRCA2 protein function with a negative predictive value of 95%. In summary, the available evidence is currently insufficient to determine the role of this variant in disease. Therefore, it has been classified as a Variant of Uncertain Significance.

Women's Health and Genetics/Laboratory Corporation of America, LabCorp
Classification: Uncertain significance. Last evaluated: 2025-10-03. Review status: criteria provided, single submitter. Criteria: LabCorp Variant Classification Summary - May 2015. Collection method: clinical testing. Allele origin: germline.
Comment: Variant summary: BRCA2 c.922T>C (p.Phe308Leu) results in a non-conservative amino acid change in the encoded protein sequence. Algorithms developed to predict the effect of missense changes on protein structure and function are either unavailable or do not agree on the potential impact of this missense change. The variant was absent in 235344 control chromosomes. The available data on variant occurrences in the general population are insufficient to allow any conclusion about variant significance. c.922T>C has been observed in at least one individual affected with breast cancer without strong evidence for causality (e.g. Ren_2021). These report(s) do not provide unequivocal conclusions about association of the variant with Hereditary Breast And Ovarian Cancer Syndrome. To our knowledge, no experimental evidence demonstrating an impact on protein function has been reported. The following publication has been ascertained in the context of this evaluation (PMID: 34196900). ClinVar contains an entry for this variant (Variation ID: 993054). Based on the evidence outlined above, the variant was classified as uncertain significance.

Quest Diagnostics Nichols Institute San Juan Capistrano
Classification: Uncertain significance. Last evaluated: 2025-05-15. Review status: criteria provided, single submitter. Criteria: Quest Diagnostics criteria. Collection method: clinical testing. Allele origin: unknown.
Comment: The BRCA2 c.922T>C (p.Phe308Leu) variant has been reported in the published literature in an individual with breast cancer (PMID: 34196900 (2021)), and described to be located in a region of the BRCA2 gene that is tolerant to missense sequence changes (PMID: 31911673 (2020)). This variant has not been reported in large, multi-ethnic general populations (Genome Aggregation Database). Analysis of this variant using bioinformatics tools for the prediction of the effect of amino acid changes on protein structure and function yielded predictions that this variant is benign. Based on the available information, we are unable to determine the clinical significance of this variant.

Ambry Genetics
Classification: Uncertain significance for Hereditary cancer-predisposing syndrome. Last evaluated: 2024-03-15. Review status: criteria provided, single submitter. Criteria: Ambry Variant Classification Scheme 2023. Collection method: clinical testing. Allele origin: germline.
Comment: The p.F308L variant (also known as c.922T>C), located in coding exon 9 of the BRCA2 gene, results from a T to C substitution at nucleotide position 922. The phenylalanine at codon 308 is replaced by leucine, an amino acid with highly similar properties. This alteration was identified in an individual diagnosed with breast cancer (Ren M et al. Breast Cancer Res Treat, 2021 Sep;189:533-539). This amino acid position is not well conserved in available vertebrate species. In addition, this alteration is predicted to be tolerated by in silico analysis. Based on the available evidence, the clinical significance of this alteration remains unclear.

University of Washington Department of Laboratory Medicine, University of Washington
Classification: Likely benign for Hereditary cancer-predisposing syndrome. Last evaluated: 2023-03-23. Review status: criteria provided, single submitter. Criteria: Dines et al. (Genet Med. 2020). Collection method: curation. Allele origin: germline.
Comment: Missense variant in a coldspot region where missense variants are very unlikely to be pathogenic (PMID:31911673).

BRCA2 exon 10 coldspot. Reclassification based on statistical prior probability.

Literature cited by the submitters: PubMed 34196900 (cited by 4 submitters); PubMed 31911673 (cited by Quest Diagnostics Nichols Institute San Juan Capistrano).